The following is an entry in ClinVar:

ClinVar aggregate classification (germline): Uncertain significance. Review status: criteria provided, multiple submitters, no conflicts (2 of 4 stars). 2 submissions from 2 submitters: Uncertain significance (2). Last evaluated 2024-08-28.

Submissions (2):

Labcorp Genetics (formerly Invitae), Labcorp
Classification: Uncertain significance. Last evaluated: 2024-08-28. Review status: criteria provided, single submitter. Criteria: Invitae Variant Classification Sherloc (09022015). Collection method: clinical testing. Allele origin: germline.
Comment: This sequence change replaces glycine, which is neutral and non-polar, with glutamic acid, which is acidic and polar, at codon 226 of the CPOX protein (p.Gly226Glu). This variant is not present in population databases (gnomAD no frequency). This variant has not been reported in the literature in individuals affected with CPOX-related conditions. ClinVar contains an entry for this variant (Variation ID: 426217). Invitae Evidence Modeling of protein sequence and biophysical properties (such as structural, functional, and spatial information, amino acid conservation, physicochemical variation, residue mobility, and thermodynamic stability) has been performed for this missense variant. However, the output from this modeling did not meet the statistical confidence thresholds required to predict the impact of this variant on CPOX protein function. In summary, the available evidence is currently insufficient to determine the role of this variant in disease. Therefore, it has been classified as a Variant of Uncertain Significance.

GeneDx
Classification: Uncertain significance. Last evaluated: 2017-04-26. Review status: criteria provided, single submitter. Criteria: GeneDx Variant Classification (06012015). Collection method: clinical testing. Allele origin: germline. Affected: yes.
Comment: The G226E variant in the CPOX gene has not been reported previously as a pathogenic variant, nor as a benign variant, to our knowledge. The G226E variant is not observed in large population cohorts (Lek et al., 2016; 1000 Genomes Consortium et al., 2015; Exome Variant Server). The G226E variant is a non-conservative amino acid substitution, which is likely to impact secondary protein structure as these residues differ in polarity, charge, size and/or other properties. This substitution occurs at a position that is conserved across species. In silico analysis predicts this variant is probably damaging to the protein structure/function. We interpret G226E as a variant of uncertain significance.

NM_000097.7(CPOX):c.677G>A (p.Gly226Glu)

Gene: CPOX (coproporphyrinogen oxidase; minus strand). Cytogenetic location: 3q11.2.
Variant type: single nucleotide variant.
Coding change: c.677G>A on transcript NM_000097.7 (MANE Select); coding-DNA position 677, G replaced by A.
Protein change: p.Gly226Glu; replaces glycine 226 with glutamic acid.
Molecular consequence: missense variant.
Genome position (GRCh38, 1-based): chr3:98,591,035, C>T on the plus strand (G>A on the coding strand, the complement: CPOX is on the minus strand). VCF-style: chr3-98591035-C-T. GRCh37 (hg19) VCF-style: chr3-98309879-C-T.
Other names: c.677G>A, p.Gly226Glu (LRG_1077t1); short protein forms G226E.
Identifiers: ClinVar variation 426217 (VCV000426217.4), dbSNP rs1085307507, ClinGen allele CA353645940.